The following is an entry in ClinVar:

ClinVar aggregate classification (germline): Uncertain significance (1 of 4 stars; one submission).

Submission:

Labcorp Genetics (formerly Invitae), Labcorp
Classification: Uncertain significance. Last evaluated: 2024-08-21. Review status: criteria provided, single submitter. Criteria: Invitae Variant Classification Sherloc (09022015). Collection method: clinical testing. Allele origin: germline.
Comment: This sequence change replaces valine, which is neutral and non-polar, with phenylalanine, which is neutral and non-polar, at codon 92 of the FH protein (p.Val92Phe). This variant is not present in population databases (gnomAD no frequency). This variant has not been reported in the literature in individuals affected with FH-related conditions. ClinVar contains an entry for this variant (Variation ID: 2096205). Invitae Evidence Modeling of protein sequence and biophysical properties (such as structural, functional, and spatial information, amino acid conservation, physicochemical variation, residue mobility, and thermodynamic stability) has been performed for this missense variant. However, the output from this modeling did not meet the statistical confidence thresholds required to predict the impact of this variant on FH protein function. In summary, the available evidence is currently insufficient to determine the role of this variant in disease. Therefore, it has been classified as a Variant of Uncertain Significance.

NM_000143.4(FH):c.274G>T (p.Val92Phe)

Gene: FH (fumarate hydratase; minus strand). Cytogenetic location: 1q43.
Variant type: single nucleotide variant.
Coding change: c.274G>T on transcript NM_000143.4 (MANE Select); coding-DNA position 274, G replaced by T.
Protein change: p.Val92Phe; replaces valine 92 with phenylalanine.
Molecular consequence: missense variant.
Genome position (GRCh38, 1-based): chr1:241,513,707, C>A on the plus strand (G>T on the coding strand, the complement: FH is on the minus strand). VCF-style: chr1-241513707-C-A. GRCh37 (hg19) VCF-style: chr1-241677007-C-A.
Other names: short protein forms V92F.
Identifiers: ClinVar variation 2096205 (VCV002096205.4), dbSNP rs2527335334, ClinGen allele CA345441100.